The following is an entry in ClinVar:

NM_014023.4(WDR37):c.962-2A>G

Gene: WDR37 (WD repeat domain 37; plus strand). Cytogenetic location: 10p15.3.
Variant type: single nucleotide variant.
Coding change: c.962-2A>G on transcript NM_014023.4 (MANE Select); the canonical splice acceptor site of the intron before coding-DNA position 962, A replaced by G.
Molecular consequence: splice acceptor variant.
Genome position (GRCh38, 1-based): chr10:1,105,124, A>G. VCF-style: chr10-1105124-A-G. GRCh37 (hg19) VCF-style: chr10-1151064-A-G.
Identifiers: ClinVar variation 4813381 (VCV004813381.1).

ClinVar aggregate classification (germline): Uncertain significance (1 of 4 stars; one submission).

gnomAD v4.1: 1 of 1,613,792 alleles (0.000062%); highest among the groups gnomAD compares: Non-Finnish European, 0.000085%; no homozygotes.

Submission:

GeneDx
Classification: Uncertain significance. Last evaluated: 2025-09-10. Review status: criteria provided, single submitter. Criteria: GeneDx Variant Classification Process June 2021. Collection method: clinical testing. Allele origin: germline. Affected: yes.
Comment: Not observed at significant frequency in large population cohorts (gnomAD); Has not been previously published as pathogenic or benign to our knowledge; Canonical splice site variant in a gene for which loss-of-function is not an established mechanism of disease